The following is an entry in ClinVar:

GRCh38/hg38 1q25.3-31.1(chr1:182137726-186931125)x1

Genes: NCF2 (neutrophil cytosolic factor 2; minus strand), NIBAN1 (niban apoptosis regulator 1; minus strand), NMNAT2 (nicotinamide nucleotide adenylyltransferase 2; minus strand), NPL (N-acetylneuraminate pyruvate lyase; plus strand), OCLM (oculomedin; plus strand) and 157 more. Cytogenetic location: 1q25.3-31.1.
Variant type: copy number loss.
Change: copy number 1 (one copy instead of two) of chr1:182,137,726-186,931,125 (4.79 Mb, GRCh38 coordinates, 1-based), cytogenetic band 1q25.3-31.1.
Identifiers: ClinVar variation 60077 (VCV000060077.1).

ClinVar aggregate classification (germline): Pathogenic (1 of 4 stars; one submission).

Submission:

ISCA site 14
Classification: Pathogenic. Last evaluated: 2011-08-12. Review status: criteria provided, single submitter. Criteria: Kaminsky et al. (Genet Med. 2011). Collection method: clinical testing. Allele origin: de novo. Affected: yes. Observed: 1 variant allele.
Comment: Copy number variation identified through the course of routine clinical cytogenomic testing in postnatal populations. Clinical assertions have been curated as described in Kaminsky et al. 2011.